The following is an entry in ClinVar:

ClinVar aggregate classification (germline): Benign (1 of 4 stars; one submission).

Conditions:
Familial colorectal cancer type X. Identifiers: Orphanet 440437, MedGen C3896578, MONDO:0018604.

Submission:

Myriad Genetics, Inc.
Classification: Benign for Familial colorectal cancer type X. Last evaluated: 2026-08-04. Review status: criteria provided, single submitter. Criteria: Myriad Autosomal Dominant, Autosomal Recessive and X-Linked Classification Criteria (2023). Collection method: clinical testing. Allele origin: unknown.
Comment: This variant is considered benign. This variant is a silent/synonymous amino acid change and it is not expected to impact splicing.

NM_001146227.3(RPS20):c.372G>A (p.Glu124=)

Gene: RPS20 (ribosomal protein S20; minus strand). Cytogenetic location: 8q12.1.
Variant type: single nucleotide variant.
Coding change: c.372G>A on transcript NM_001146227.3; coding-DNA position 372, G replaced by A.
Protein change: p.Glu124=; no amino-acid change (glutamic acid 124 retained).
Molecular consequence: synonymous variant.
Genome position (GRCh38, 1-based): chr8:56,069,795, C>T on the plus strand (G>A on the coding strand, the complement: RPS20 is on the minus strand). VCF-style: chr8-56069795-C-T. GRCh37 (hg19) VCF-style: chr8-56982354-C-T.
Identifiers: ClinVar variation 5042355 (VCV005042355.1).
Genomic context (GRCh38, chr8:56,069,795, plus strand): 5'-CAGTTAAAAAGGACATGTCCCCGGGGATTCGAATACACTTCTCAAAGTGTACTGCTGGCC[C>T]TCTGTATCCATGGGTTCTGCATCTGTAGATTCGATCAACTGTAGATCAAAAGTATTCAGA-3'